The following is an entry in ClinVar:

ClinVar aggregate classification (germline): Uncertain significance (1 of 4 stars; one submission).

Conditions:
Charcot-Marie-Tooth disease axonal type 2O. Also called: CHARCOT-MARIE-TOOTH NEUROPATHY, AXONAL, TYPE 2O; CHARCOT-MARIE-TOOTH DISEASE, AXONAL, AUTOSOMAL DOMINANT, TYPE 2O; Charcot-Marie-Tooth Neuropathy Type 2O; Charcot-Marie-Tooth disease, axonal, type 20. Identifiers: Orphanet 284232, MedGen C3280220, MONDO:0013644, OMIM 614228.

Submission:

Labcorp Genetics (formerly Invitae), Labcorp
Classification: Uncertain significance for Charcot-Marie-Tooth disease axonal type 2O. Last evaluated: 2020-10-21. Review status: criteria provided, single submitter. Criteria: Invitae Variant Classification Sherloc (09022015). Collection method: clinical testing. Allele origin: germline.
Comment: This variant results in a copy number gain of the genomic region encompassing exons 44-78 of the DYNC1H1 gene. The 5' boundary is likely confined to intron 43. The 3' end of this event is unknown as it extends beyond the assayed region for this gene and therefore may encompass additional genes. As the precise location of this event is unknown, it may be in tandem or it may be located elsewhere in the genome. This variant has not been reported in the literature in individuals with DYNC1H1-related conditions. Experimental studies and prediction algorithms are not available or were not evaluated for this variant, and the functional significance of the affected amino acid(s) is currently unknown. In summary, the available evidence is currently insufficient to determine the role of this variant in disease. Therefore, it has been classified as a Variant of Uncertain Significance.

NC_000014.8:g.(?_102492901)_(102516910_?)dup

Gene: DYNC1H1 (dynein cytoplasmic 1 heavy chain 1; plus strand). Cytogenetic location: 14q32.31.
Variant type: Duplication.
Identifiers: ClinVar variation 1003422 (VCV001003422.1).